The following is an entry in ClinVar:

ClinVar aggregate classification (germline): Uncertain significance. Review status: criteria provided, multiple submitters, no conflicts (2 of 4 stars). 2 submissions from 2 submitters: Uncertain significance (2). Last evaluated 2023-02-13.

Allele frequency attached by ClinVar (database versions not stated): gnomAD exomes below 0.00001 and 0.00001.
gnomAD v4.1: 8 of 1,613,094 alleles (0.0005%); highest among the groups gnomAD compares: Middle Eastern, 0.016%; no homozygotes.

Submissions (2):

GeneDx
Classification: Uncertain significance. Last evaluated: 2023-02-13. Review status: criteria provided, single submitter. Criteria: GeneDx Variant Classification Process June 2021. Collection method: clinical testing. Allele origin: germline. Affected: yes.
Comment: Not observed at significant frequency in large population cohorts (gnomAD); In silico analysis supports that this missense variant does not alter protein structure/function; Has not been previously published as pathogenic or benign to our knowledge

Labcorp Genetics (formerly Invitae), Labcorp
Classification: Uncertain significance. Last evaluated: 2022-10-13. Review status: criteria provided, single submitter. Criteria: Invitae Variant Classification Sherloc (09022015). Collection method: clinical testing. Allele origin: germline.
Comment: This sequence change replaces glutamic acid, which is acidic and polar, with valine, which is neutral and non-polar, at codon 770 of the WHRN protein (p.Glu770Val). This variant is present in population databases (no rsID available, gnomAD 0.0009%). This variant has not been reported in the literature in individuals affected with WHRN-related conditions. ClinVar contains an entry for this variant (Variation ID: 834614). Algorithms developed to predict the effect of missense changes on protein structure and function are either unavailable or do not agree on the potential impact of this missense change (SIFT: "Deleterious"; PolyPhen-2: "Probably Damaging"; Align-GVGD: "Class C0"). In summary, the available evidence is currently insufficient to determine the role of this variant in disease. Therefore, it has been classified as a Variant of Uncertain Significance.

NM_015404.4(WHRN):c.2309A>T (p.Glu770Val)

Gene: WHRN (whirlin; minus strand). Cytogenetic location: 9q32.
Variant type: single nucleotide variant.
Coding change: c.2309A>T on transcript NM_015404.4 (MANE Select); coding-DNA position 2309, A replaced by T.
Protein change: p.Glu770Val; replaces glutamic acid 770 with valine.
Molecular consequence: missense variant.
Genome position (GRCh38, 1-based): chr9:114,404,005, T>A on the plus strand (A>T on the coding strand, the complement: WHRN is on the minus strand). VCF-style: chr9-114404005-T-A. GRCh37 (hg19) VCF-style: chr9-117166285-T-A.
Other names: c.1160A>T, p.Glu387Val (NM_001083885.3); c.2306A>T, p.Glu769Val (NM_001173425.2); c.1256A>T, p.Glu419Val (NM_001346890.1); c.2309A>T (NM_015404.2); short protein forms E419V, E387V, E769V, E770V.
Identifiers: ClinVar variation 834614 (VCV000834614.7), dbSNP rs1168947739, ClinGen allele CA374619830.
Genomic context (GRCh38, chr9:114,404,005, plus strand): 5'-CTACTCCTGCTCTTGGTGGACACCGACTGCCTTCCTCGGCCTGGGGCGCTGGCCTCTGCC[T>A]CGCCAGCATCCACACCACTGTCCTCGCTTAGAGTCTGCCCGCTGTCCGAGAGCTGGGAGA-3'
Protein context (NP_056219.3, residues 760-780): LSEDSGVDAG[Glu770Val]AEASAPGRGR